The following is an entry in ClinVar:

ClinVar aggregate classification (germline): Uncertain significance (1 of 4 stars; one submission).

Conditions:
Neurodevelopmental disorder with speech impairment and with or without seizures. Also called: Neurodevelopmental disorder with variable intellectual disability and speech impairment, with or without seizures. Identifiers: MedGen C5774252, MONDO:0859313, OMIM 620114.

gnomAD v4.1: 1 of 1,613,750 alleles (0.000062%); highest among the groups gnomAD compares: Middle Eastern, 0.017%; no homozygotes.

Submission:

Clinical Genomics Laboratory, Washington University in St. Louis
Classification: Uncertain significance for Neurodevelopmental disorder with speech impairment and with or without seizures. Last evaluated: 2026-04-10. Review status: criteria provided, single submitter. Criteria: ACMG Guidelines, 2015. Collection method: clinical testing. Allele origin: germline.
Comment: The CACNA1I c.4711A>G (p.Ile571Val) variant, to our knowledge, has not been reported in the medical literature. This variant is absent from the general population (gnomAD v2.1.1), indicating it is not a common variant. Computational predictors indicate that the variant is damaging, evidence that correlates with impact on CACNA1I function. Due to limited information, the clinical significance of this variant is uncertain.

NM_021096.4(CACNA1I):c.4711A>G (p.Ile1571Val)

Gene: CACNA1I (calcium voltage-gated channel subunit alpha1 I; plus strand). Cytogenetic location: 22q13.1.
Variant type: single nucleotide variant.
Coding change: c.4711A>G on transcript NM_021096.4 (MANE Select); coding-DNA position 4711, A replaced by G.
Protein change: p.Ile1571Val; replaces isoleucine 1571 with valine.
Molecular consequence: missense variant.
Genome position (GRCh38, 1-based): chr22:39,673,010, A>G. VCF-style: chr22-39673010-A-G. GRCh37 (hg19) VCF-style: chr22-40069015-A-G.
Other names: c.4606A>G, p.Ile1536Val (NM_001003406.2); short protein forms I1536V, I1571V.
Identifiers: ClinVar variation 4879270 (VCV004879270.1).